The following is an entry in ClinVar:

NM_005334.3(HCFC1):c.3689C>T (p.Ala1230Val)

Gene: HCFC1 (host cell factor C1; minus strand). Cytogenetic location: Xq28.
Variant type: single nucleotide variant.
Coding change: c.3689C>T on transcript NM_005334.3 (MANE Select); coding-DNA position 3689, C replaced by T.
Protein change: p.Ala1230Val; replaces alanine 1230 with valine.
Molecular consequence: missense variant.
Genome position (GRCh38, 1-based): chrX:153,954,710, G>A on the plus strand (C>T on the coding strand, the complement: HCFC1 is on the minus strand). VCF-style: chrX-153954710-G-A. GRCh37 (hg19) VCF-style: chrX-153220161-G-A.
Other names: c.3689C>T, p.Ala1230Val (NM_001410705.1); c.3689C>T (NM_005334.2); short protein forms A1230V.
Identifiers: ClinVar variation 2722146 (VCV002722146.4), dbSNP rs782575778, ClinGen allele CA10557155.

ClinVar aggregate classification (germline): Conflicting classifications of pathogenicity. Review status: criteria provided, conflicting classifications (1 of 4 stars). 2 submissions from 2 submitters: Uncertain significance (1); Likely benign (1). Last evaluated 2024-03-15.

Conditions:
Inborn genetic diseases. Identifiers: MedGen C0950123, MeSH D030342.
Methylmalonic acidemia with homocystinuria, type cblX (MAHCX). Also called: INTELLECTUAL DEVELOPMENTAL DISORDER, X-LINKED 3. Identifiers: Orphanet 369962, MedGen C0796208, MONDO:0010657, OMIM 309541.

Allele frequency attached by ClinVar (database versions not stated): ExAC 0.00003; gnomAD exomes 0.00003; gnomAD 0.00008; TOPMed 0.00014.

Submissions (2):

Ambry Genetics
Classification: Likely benign for Inborn genetic diseases. Last evaluated: 2024-03-15. Review status: criteria provided, single submitter. Criteria: Ambry Variant Classification Scheme 2023. Collection method: clinical testing. Allele origin: germline.

Labcorp Genetics (formerly Invitae), Labcorp
Classification: Uncertain significance for Methylmalonic acidemia with homocystinuria, type cblX. Last evaluated: 2024-01-07. Review status: criteria provided, single submitter. Criteria: Invitae Variant Classification Sherloc (09022015). Collection method: clinical testing. Allele origin: germline.
Comment: This sequence change replaces alanine, which is neutral and non-polar, with valine, which is neutral and non-polar, at codon 1230 of the HCFC1 protein (p.Ala1230Val). The frequency data for this variant in the population databases is considered unreliable, as metrics indicate poor data quality at this position in the gnomAD database. This variant has not been reported in the literature in individuals affected with HCFC1-related conditions. Algorithms developed to predict the effect of missense changes on protein structure and function output the following: SIFT: "Not Available"; PolyPhen-2: "Benign"; Align-GVGD: "Not Available". The valine amino acid residue is found in multiple mammalian species, which suggests that this missense change does not adversely affect protein function. In summary, the available evidence is currently insufficient to determine the role of this variant in disease. Therefore, it has been classified as a Variant of Uncertain Significance.